The following is an entry in ClinVar:

ClinVar aggregate classification (germline): Uncertain significance (1 of 4 stars; one submission).

Conditions:
Malignant hyperthermia, susceptibility to, 1 (MHS1). Also called: Anesthesia related hyperthermia; Malignant hyperpyrexia; Fulminating hyperpyrexia; Pharmacogenic myopathy; RYR1-Related Malignant Hyperthermia Susceptibility; Malignant hyperthermia suceptibility 1. Identifiers: Orphanet 423, MedGen C2930980, MONDO:0007783, OMIM 145600.

Submission:

All of Us Research Program, National Institutes of Health
Classification: Uncertain significance for Malignant hyperthermia, susceptibility to, 1. Last evaluated: 2023-06-28. Review status: criteria provided, single submitter. Criteria: ACMG Guidelines, 2015. Collection method: clinical testing. Allele origin: germline. Inheritance: Autosomal dominant inheritance. Observed: 1 variant allele, 1 heterozygote.
Comment: This study involves interpretation of variants in research participants for the purpose of population health screening. Participant phenotype was not available at the time of variant classification. Additional details can be found in publication PMID: 35346344, PMCID: PMC8962531

NM_000540.3(RYR1):c.9518A>C (p.Tyr3173Ser)

Gene: RYR1 (ryanodine receptor 1; plus strand). Cytogenetic location: 19q13.2.
Variant type: single nucleotide variant.
Coding change: c.9518A>C on transcript NM_000540.3 (MANE Select); coding-DNA position 9518, A replaced by C.
Protein change: p.Tyr3173Ser; replaces tyrosine 3173 with serine.
Molecular consequence: missense variant.
Genome position (GRCh38, 1-based): chr19:38,515,071, A>C. VCF-style: chr19-38515071-A-C. GRCh37 (hg19) VCF-style: chr19-39005711-A-C.
Other names: c.9518A>C, p.Tyr3173Ser (NM_001042723.2); short protein forms Y3173S.
Identifiers: ClinVar variation 3071829 (VCV003071829.1), dbSNP rs2514419399, ClinGen allele CA405688894.